The following is an entry in ClinVar:

ClinVar aggregate classification (germline): Likely benign (1 of 4 stars; one submission).

Conditions:
Congenital contractural arachnodactyly (CCA). Also called: BEALS SYNDROME; Beals-Hecht syndrome; Arthrogryposis, distal, type 9. Identifiers: Orphanet 115, MedGen C0220668, MONDO:0007363, OMIM 121050.

Allele frequency attached by ClinVar (database versions not stated): gnomAD 0.00135 and 0.00126; TOPMed 0.00139; 1000 Genomes Project 30x 0.00172; 1000 Genomes Project 0.00120; gnomAD exomes 0.00188.
gnomAD v4.1: 246 of 178,840 alleles (0.14%); highest among the groups gnomAD compares: Admixed American, 0.25%; no homozygotes.

Submission:

Illumina Laboratory Services, Illumina
Classification: Likely benign for Congenital contractural arachnodactyly. Last evaluated: 2018-01-12. Review status: criteria provided, single submitter. Criteria: ICSL Variant Classification Criteria 13 December 2019. Collection method: clinical testing. Allele origin: germline.
Comment: This variant was observed in the ICSL laboratory as part of a predisposition screen in an ostensibly healthy population. It had not been previously curated by ICSL or reported in the Human Gene Mutation Database (HGMD: prior to June 1st, 2018), and was therefore a candidate for classification through an automated scoring system. Utilizing variant allele frequency, disease prevalence and penetrance estimates, and inheritance mode, an automated score was calculated to assess if this variant is too frequent to cause the disease. Based on the score and internal cut-off values, a variant classified as likely benign is not then subjected to further curation. The score for this variant resulted in a classification of likely benign for this disease.

NM_001999.4(FBN2):c.*371T>G

Gene: FBN2 (fibrillin 2; minus strand). Cytogenetic location: 5q23.3.
Variant type: single nucleotide variant.
Coding change: c.*371T>G on transcript NM_001999.4 (MANE Select); 371 bases downstream of the stop codon, T replaced by G.
Molecular consequence: 3 prime UTR variant.
Genome position (GRCh38, 1-based): chr5:128,259,084, A>C on the plus strand (T>G on the coding strand, the complement: FBN2 is on the minus strand). VCF-style: chr5-128259084-A-C. GRCh37 (hg19) VCF-style: chr5-127594776-A-C.
Identifiers: ClinVar variation 350747 (VCV000350747.5), dbSNP rs531108136, ClinGen allele CA10620095.